The following is an entry in ClinVar:

ClinVar aggregate classification (germline): Uncertain significance (1 of 4 stars; one submission).

Allele frequency attached by ClinVar (database versions not stated): gnomAD exomes below 0.00001; TOPMed below 0.00001.
gnomAD v4.1: 4 of 1,403,212 alleles (0.00029%); highest among the groups gnomAD compares: Non-Finnish European, 0.00028%; no homozygotes.

Submission:

Labcorp Genetics (formerly Invitae), Labcorp
Classification: Uncertain significance. Last evaluated: 2022-12-12. Review status: criteria provided, single submitter. Criteria: Invitae Variant Classification Sherloc (09022015). Collection method: clinical testing. Allele origin: germline.
Comment: Algorithms developed to predict the effect of missense changes on protein structure and function are either unavailable or do not agree on the potential impact of this missense change (SIFT: "Deleterious"; PolyPhen-2: "Not Available"; Align-GVGD: "Class C0"). This sequence change replaces glycine, which is neutral and non-polar, with glutamic acid, which is acidic and polar, at codon 317 of the ARID1B protein (p.Gly317Glu). This variant is not present in population databases (gnomAD no frequency). This variant has not been reported in the literature in individuals affected with ARID1B-related conditions. In summary, the available evidence is currently insufficient to determine the role of this variant in disease. Therefore, it has been classified as a Variant of Uncertain Significance.

NM_001374828.1(ARID1B):c.1199G>A (p.Gly400Glu)

Gene: ARID1B (AT-rich interaction domain 1B; plus strand). Cytogenetic location: 6q25.3.
Variant type: single nucleotide variant.
Coding change: c.1199G>A on transcript NM_001374828.1 (MANE Select); coding-DNA position 1199, G replaced by A.
Protein change: p.Gly400Glu; replaces glycine 400 with glutamic acid.
Molecular consequence: missense variant.
Genome position (GRCh38, 1-based): chr6:156,778,879, G>A. VCF-style: chr6-156778879-G-A. GRCh37 (hg19) VCF-style: chr6-157100013-G-A.
Other names: c.950G>A, p.Gly317Glu (NM_001346813.1, NM_020732.3); c.1199G>A, p.Gly400Glu (NM_001371656.1, NM_001374820.1, NM_017519.3); c.776G>A, p.Gly259Glu (NM_175863.2); short protein forms G317E, G400E, G259E.
Identifiers: ClinVar variation 3017345 (VCV003017345.3), dbSNP rs1156869262, ClinGen allele CA366383483.